The following is an entry in ClinVar:

NM_020461.4(TUBGCP6):c.568C>A (p.Leu190Met)

Gene: TUBGCP6 (tubulin gamma complex component 6; minus strand). Cytogenetic location: 22q13.33.
Variant type: single nucleotide variant.
Coding change: c.568C>A on transcript NM_020461.4 (MANE Select); coding-DNA position 568, C replaced by A.
Protein change: p.Leu190Met; replaces leucine 190 with methionine.
Molecular consequence: missense variant.
Genome position (GRCh38, 1-based): chr22:50,243,892, G>T on the plus strand (C>A on the coding strand, the complement: TUBGCP6 is on the minus strand). VCF-style: chr22-50243892-G-T. GRCh37 (hg19) VCF-style: chr22-50682321-G-T.
Other names: short protein forms L190M.
Identifiers: ClinVar variation 1367923 (VCV001367923.8), dbSNP rs778450757, ClinGen allele CA412114912.

ClinVar aggregate classification (germline): Uncertain significance (1 of 4 stars; one submission).

Submission:

Labcorp Genetics (formerly Invitae), Labcorp
Classification: Uncertain significance. Last evaluated: 2022-08-31. Review status: criteria provided, single submitter. Criteria: Invitae Variant Classification Sherloc (09022015). Collection method: clinical testing. Allele origin: germline.
Comment: In summary, the available evidence is currently insufficient to determine the role of this variant in disease. Therefore, it has been classified as a Variant of Uncertain Significance. Algorithms developed to predict the effect of missense changes on protein structure and function are either unavailable or do not agree on the potential impact of this missense change (SIFT: "Tolerated"; PolyPhen-2: "Probably Damaging"; Align-GVGD: "Class C0"). ClinVar contains an entry for this variant (Variation ID: 1367923). This variant has not been reported in the literature in individuals affected with TUBGCP6-related conditions. This variant is not present in population databases (gnomAD no frequency). This sequence change replaces leucine, which is neutral and non-polar, with methionine, which is neutral and non-polar, at codon 190 of the TUBGCP6 protein (p.Leu190Met).